The following is an entry in ClinVar:

ClinVar aggregate classification (germline): Uncertain significance (1 of 4 stars; one submission).

Submission:

Labcorp Genetics (formerly Invitae), Labcorp
Classification: Uncertain significance. Last evaluated: 2025-11-28. Review status: criteria provided, single submitter. Criteria: Invitae Variant Classification Sherloc (09022015). Collection method: clinical testing. Allele origin: germline.
Comment: This sequence change replaces proline, which is neutral and non-polar, with glutamine, which is neutral and polar, at codon 21 of the RP9 protein (p.Pro21Gln). This variant is not present in population databases (gnomAD no frequency). This variant has not been reported in the literature in individuals affected with RP9-related conditions. An algorithm developed to predict the effect of missense changes on protein structure and function (PolyPhen-2) suggests that this variant is likely to be disruptive. In summary, the available evidence is currently insufficient to determine the role of this variant in disease. Therefore, it has been classified as a Variant of Uncertain Significance.

NM_203288.2(RP9):c.62C>A (p.Pro21Gln)

Genes: RP9 (RP9 pre-mRNA splicing factor; minus strand), LOC129998225 (ATAC-STARR-seq lymphoblastoid silent region 18090; plus strand). Cytogenetic location: 7p14.3.
Variant type: single nucleotide variant.
Coding change: c.62C>A on transcript NM_203288.2 (MANE Select); coding-DNA position 62, C replaced by A.
Protein change: p.Pro21Gln; replaces proline 21 with glutamine.
Molecular consequence: missense variant.
Genome position (GRCh38, 1-based): chr7:33,109,311, G>T on the plus strand (C>A on the coding strand, the complement: RP9 is on the minus strand). VCF-style: chr7-33109311-G-T. GRCh37 (hg19) VCF-style: chr7-33148923-G-T.
Other names: short protein forms P21Q.
Identifiers: ClinVar variation 4732191 (VCV004732191.1).